The following is an entry in ClinVar:

NM_003052.5(SLC34A1):c.915G>C (p.Trp305Cys)

Gene: SLC34A1 (solute carrier family 34 member 1; plus strand). Cytogenetic location: 5q35.3.
Variant type: single nucleotide variant.
Coding change: c.915G>C on transcript NM_003052.5 (MANE Select); coding-DNA position 915, G replaced by C.
Protein change: p.Trp305Cys; replaces tryptophan 305 with cysteine.
Molecular consequence: missense variant.
Genome position (GRCh38, 1-based): chr5:177,388,351, G>C. VCF-style: chr5-177388351-G-C. GRCh37 (hg19) VCF-style: chr5-176815352-G-C.
Other names: c.915G>C, p.Trp305Cys (NM_001167579.2); short protein forms W305C.
Identifiers: ClinVar variation 4880495 (VCV004880495.1).

ClinVar aggregate classification (germline): Uncertain significance (1 of 4 stars; one submission).

Conditions:
Hypercalcemia, infantile, 2 (HCINF2). Identifiers: Orphanet 300547, MedGen C4310473, MONDO:0014851, OMIM 616963.

Submission:

Department of Medical Genetics, Ordu University Medical School Training and Research Hospital
Classification: Uncertain significance for Infantile hypercalcemia 2. Last evaluated: 2026-07-28. Review status: criteria provided, single submitter. Criteria: ACMG Guidelines, 2015. Collection method: clinical testing. Allele origin: unknown. Inheritance: Autosomal recessive inheritance. Affected: no. Observed: 1 variant allele, 1 heterozygote.
Comment: Absent from gnomAD v4 (PM2_Supporting). REVEL 0.597 falls within the indeterminate range of the ClinGen SVI calibration, so PP3 was not applied. Trp305 lies in the extracellular loop between transmembrane helices M3 and M4 and is not within an established mutational hot spot. No functional, segregation or phase data available.